The following is an entry in ClinVar:

NM_000368.5(TSC1):c.1264-13C>G

Gene: TSC1 (TSC complex subunit 1; minus strand). Cytogenetic location: 9q34.13.
Variant type: single nucleotide variant.
Coding change: c.1264-13C>G on transcript NM_000368.5 (MANE Select); 13 bases into the intron before coding-DNA position 1264, C replaced by G.
Molecular consequence: intron variant.
Genome position (GRCh38, 1-based): chr9:132,907,383, G>C on the plus strand (C>G on the coding strand, the complement: TSC1 is on the minus strand). VCF-style: chr9-132907383-G-C. GRCh37 (hg19) VCF-style: chr9-135782770-G-C.
Other names: c.898-13C>G (NM_001406620.1, NM_001406625.1, NM_001406621.1 and 2 more transcripts); c.901-13C>G (NM_001406618.1, NM_001406617.1, NM_001406619.1 and 5 more transcripts); c.1108-13C>G (NM_001406613.1, NM_001406612.1, NM_001406611.1); c.1111-13C>G (NM_001406610.1, NM_001162427.2); c.310-13C>G (NM_001406627.1, NM_001406628.1); c.211-13C>G (NM_001406629.1, NM_001406630.1); c.1261-13C>G (NM_001406603.1, NM_001406609.1, NM_001406597.1 and 6 more transcripts); c.1264-13C>G (NM_001406602.1, NM_001406606.1, NM_001406592.1 and 7 more transcripts); and 1 more.
Identifiers: ClinVar variation 4722924 (VCV004722924.1).

ClinVar aggregate classification (germline): Uncertain significance (1 of 4 stars; one submission).

Conditions:
Tuberous sclerosis 1 (TSC1). Identifiers: Orphanet 805, MedGen C1854465, MONDO:0008612, OMIM 191100.

gnomAD v4.1: 1 of 1,606,970 alleles (0.000062%); highest among the groups gnomAD compares: Non-Finnish European, 0.000085%; no homozygotes.

Submission:

Labcorp Genetics (formerly Invitae), Labcorp
Classification: Uncertain significance for Tuberous sclerosis 1. Last evaluated: 2025-07-09. Review status: criteria provided, single submitter. Criteria: Invitae Variant Classification Sherloc (09022015). Collection method: clinical testing. Allele origin: germline.
Comment: This sequence change falls in intron 12 of the TSC1 gene. It does not directly change the encoded amino acid sequence of the TSC1 protein. This variant is not present in population databases (gnomAD no frequency). This variant has not been reported in the literature in individuals affected with TSC1-related conditions. Algorithms developed to predict the effect of sequence changes on RNA splicing suggest that this variant may create or strengthen a splice site. In summary, the available evidence is currently insufficient to determine the role of this variant in disease. Therefore, it has been classified as a Variant of Uncertain Significance.